The following is an entry in ClinVar:

NM_001042492.3(NF1):c.4432T>G (p.Phe1478Val)

Gene: NF1 (neurofibromin 1; plus strand). Cytogenetic location: 17q11.2.
Variant type: single nucleotide variant.
Coding change: c.4432T>G on transcript NM_001042492.3 (MANE Select); coding-DNA position 4432, T replaced by G.
Protein change: p.Phe1478Val; replaces phenylalanine 1478 with valine.
Molecular consequence: missense variant.
Genome position (GRCh38, 1-based): chr17:31,260,370, T>G. VCF-style: chr17-31260370-T-G. GRCh37 (hg19) VCF-style: chr17-29587388-T-G.
Other names: c.4369T>G, p.Phe1457Val (NM_000267.4); short protein forms F1457V, F1478V.
Identifiers: ClinVar variation 480098 (VCV000480098.4), dbSNP rs1555618802, ClinGen allele CA398999129.

ClinVar aggregate classification (germline): Uncertain significance. Review status: criteria provided, single submitter (1 of 4 stars). 2 submissions from 1 submitter: Uncertain significance (2). Last evaluated 2022-07-01.

Conditions:
Hereditary cancer-predisposing syndrome. Also called: Hereditary Cancer Syndrome; Neoplastic Syndromes, Hereditary; Tumor predisposition; Hereditary neoplastic syndrome. Identifiers: Orphanet 140162, MedGen C0027672, MeSH D009386, MONDO:0015356.
Cardiovascular phenotype. Identifiers: MedGen CN230736.

Allele frequency attached by ClinVar (database versions not stated): gnomAD exomes below 0.00001.
gnomAD v4.1: 1 of 1,613,736 alleles (0.000062%); highest among the groups gnomAD compares: South Asian, 0.0011%; no homozygotes.

Submissions (2):

Ambry Genetics
Classification: Uncertain significance for Cardiovascular phenotype; Hereditary cancer-predisposing syndrome. Last evaluated: 2022-07-01. Review status: criteria provided, single submitter. Criteria: Ambry Variant Classification Scheme 2023. Collection method: clinical testing. Allele origin: germline.

Ambry Genetics
Classification: Uncertain significance for Hereditary cancer-predisposing syndrome. Last evaluated: 2016-03-02. Review status: criteria provided, single submitter. Criteria: Ambry Autosomal Dominant and X-Linked criteria (10/2015). Collection method: clinical testing. Allele origin: germline. Observed: 1 variant allele.
Comment: The p.F1478V variant (also known as c.4432T>G), located in coding exon 34 of the NF1 gene, results from a T to G substitution at nucleotide position 4432. The phenylalanine at codon 1478 is replaced by valine, an amino acid with highly similar properties. This variant was not reported in population based cohorts in the following databases: Database of Single Nucleotide Polymorphisms (dbSNP), NHLBI Exome Sequencing Project (ESP), and 1000 Genomes Project. In the ESP, this variant was not observed in 6503 samples (13006 alleles) with coverage at this position. To date, this alteration has been detected with an allele frequency of approximately 0.001% (greater than 110000alleles tested) in our clinical cohort.Both the nucleotide andamino acid position arehighly conserved in available vertebrate species. Using the BDGP and ESEfinder splice site prediction tools, this alteration is predicted to weaken the efficiency of the native splice acceptor site; however, direct evidence is unavailable. In addition, this alteration is predicted to be deleterious by in silico analysis.Since supporting evidence is limited at this time, the clinical significance of this alterationremains unclear.